The following is an entry in ClinVar:

NM_001371986.1(UNC80):c.2710A>G (p.Met904Val)

Gene: UNC80 (unc-80 homolog, NALCN channel complex subunit; plus strand). Cytogenetic location: 2q34.
Variant type: single nucleotide variant.
Coding change: c.2710A>G on transcript NM_001371986.1 (MANE Select); coding-DNA position 2710, A replaced by G.
Protein change: p.Met904Val; replaces methionine 904 with valine.
Molecular consequence: missense variant.
Genome position (GRCh38, 1-based): chr2:209,831,526, A>G. VCF-style: chr2-209831526-A-G. GRCh37 (hg19) VCF-style: chr2-210696250-A-G.
Other names: c.2710A>G, p.Met904Val (NM_032504.2); c.2695A>G, p.Met899Val (NM_182587.4); short protein forms M899V, M904V.
Identifiers: ClinVar variation 1405710 (VCV001405710.3), dbSNP rs1303467359, ClinGen allele CA350411257.

ClinVar aggregate classification (germline): Uncertain significance (1 of 4 stars; one submission).

Allele frequency attached by ClinVar (database versions not stated): gnomAD 0.00001; gnomAD exomes 0.00001; TOPMed below 0.00001.
gnomAD v4.1: 2 of 1,551,210 alleles (0.00013%); highest among the groups gnomAD compares: Non-Finnish European, 0.000087%; no homozygotes.

Submission:

Labcorp Genetics (formerly Invitae), Labcorp
Classification: Uncertain significance. Last evaluated: 2021-09-15. Review status: criteria provided, single submitter. Criteria: Invitae Variant Classification Sherloc (09022015). Collection method: clinical testing. Allele origin: germline.
Comment: This sequence change replaces methionine with valine at codon 904 of the UNC80 protein (p.Met904Val). The methionine residue is weakly conserved and there is a small physicochemical difference between methionine and valine. This variant is not present in population databases (ExAC no frequency). This variant has not been reported in the literature in individuals affected with UNC80-related conditions. Algorithms developed to predict the effect of missense changes on protein structure and function are either unavailable or do not agree on the potential impact of this missense change (SIFT: "Not Available"; PolyPhen-2: "Possibly Damaging"; Align-GVGD: "Not Available"). In summary, the available evidence is currently insufficient to determine the role of this variant in disease. Therefore, it has been classified as a Variant of Uncertain Significance.